The following is an entry in ClinVar:

NM_001379270.1(CNGA1):c.604G>A (p.Val202Ile)

Genes: CNGA1 (cyclic nucleotide gated channel subunit alpha 1; minus strand), LOC101927157 (uncharacterized LOC101927157; plus strand). Cytogenetic location: 4p12.
Variant type: single nucleotide variant.
Coding change: c.604G>A on transcript NM_001379270.1 (MANE Select); coding-DNA position 604, G replaced by A.
Protein change: p.Val202Ile; replaces valine 202 with isoleucine.
Molecular consequence: missense variant.
Genome position (GRCh38, 1-based): chr4:47,940,811, C>T on the plus strand (G>A on the coding strand, the complement: CNGA1 is on the minus strand). VCF-style: chr4-47940811-C-T. GRCh37 (hg19) VCF-style: chr4-47942828-C-T.
Other names: c.604G>A, p.Val202Ile (NM_000087.5, NM_001142564.2); short protein forms V202I.
Identifiers: ClinVar variation 596478 (VCV000596478.14), dbSNP rs764278660, ClinGen allele CA2911229.

ClinVar aggregate classification (germline): Uncertain significance. Review status: criteria provided, multiple submitters, no conflicts (2 of 4 stars). 4 submissions from 4 submitters: Uncertain significance (4). Last evaluated 2024-12-25.

Conditions:
Inborn genetic diseases. Identifiers: MedGen C0950123, MeSH D030342.

Allele frequency attached by ClinVar (database versions not stated): gnomAD 0.00001; ExAC 0.00002; gnomAD exomes 0.00002; TOPMed 0.00002.

Submissions (4):

Ambry Genetics
Classification: Uncertain significance for Inborn genetic diseases. Last evaluated: 2024-12-25. Review status: criteria provided, single submitter. Criteria: Ambry Variant Classification Scheme 2023. Collection method: clinical testing. Allele origin: germline.

Blueprint Genetics
Classification: Uncertain significance. Last evaluated: 2024-08-23. Review status: criteria provided, single submitter. Criteria: ACMG Guidelines, 2015. Collection method: clinical testing. Allele origin: germline.

Labcorp Genetics (formerly Invitae), Labcorp
Classification: Uncertain significance. Last evaluated: 2022-03-19. Review status: criteria provided, single submitter. Criteria: Invitae Variant Classification Sherloc (09022015). Collection method: clinical testing. Allele origin: germline.
Comment: In summary, the available evidence is currently insufficient to determine the role of this variant in disease. Therefore, it has been classified as a Variant of Uncertain Significance. Algorithms developed to predict the effect of missense changes on protein structure and function output the following: SIFT: "Tolerated"; PolyPhen-2: "Benign"; Align-GVGD: "Class C0". The isoleucine amino acid residue is found in multiple mammalian species, which suggests that this missense change does not adversely affect protein function. ClinVar contains an entry for this variant (Variation ID: 596478). This variant has not been reported in the literature in individuals affected with CNGA1-related conditions. This variant is present in population databases (rs764278660, gnomAD 0.003%). This sequence change replaces valine, which is neutral and non-polar, with isoleucine, which is neutral and non-polar, at codon 206 of the CNGA1 protein (p.Val206Ile).

Eurofins Ntd Llc (ga)
Classification: Uncertain significance. Last evaluated: 2018-03-29. Review status: criteria provided, single submitter. Criteria: EGL ClinVar v180209 classification definitions. Collection method: clinical testing. Allele origin: germline. Observed: 1 variant allele, 1 heterozygote.